The following is an entry in ClinVar:

ClinVar aggregate classification (germline): Uncertain significance (1 of 4 stars; one submission).

Allele frequency attached by ClinVar (database versions not stated): ExAC 0.00001; gnomAD exomes 0.00002; gnomAD 0.00005; TOPMed 0.00005; ESP Exome Variant Server 0.00008.

Submission:

CeGaT Center for Human Genetics Tuebingen
Classification: Uncertain significance. Last evaluated: 2024-04-01. Review status: criteria provided, single submitter. Criteria: CeGaT Center For Human Genetics Tuebingen Variant Classification Criteria Version 2. Collection method: clinical testing. Allele origin: germline. Affected: yes. Observed: 1 variant allele.
Comment: ABCB11: PM2, BP4

NM_003742.4(ABCB11):c.166T>C (p.Ser56Pro)

Gene: ABCB11 (ATP binding cassette subfamily B member 11; minus strand). Cytogenetic location: 2q31.1.
Variant type: single nucleotide variant.
Coding change: c.166T>C on transcript NM_003742.4 (MANE Select); coding-DNA position 166, T replaced by C.
Protein change: p.Ser56Pro; replaces serine 56 with proline.
Molecular consequence: missense variant.
Genome position (GRCh38, 1-based): chr2:169,013,495, A>G on the plus strand (T>C on the coding strand, the complement: ABCB11 is on the minus strand). VCF-style: chr2-169013495-A-G. GRCh37 (hg19) VCF-style: chr2-169870005-A-G.
Other names: short protein forms S56P.
Identifiers: ClinVar variation 3234504 (VCV003234504.20), dbSNP rs374370625, ClinGen allele CA1951948.